The following is an entry in ClinVar:

NM_005619.5(RTN2):c.285A>G (p.Glu95=)

Genes: OPA3-RTN2 (OPA3-RTN2 readthrough; minus strand), RTN2 (reticulon 2; minus strand). Cytogenetic location: 19q13.32.
Variant type: single nucleotide variant.
Coding change: c.285A>G on transcript NM_005619.5 (MANE Select); coding-DNA position 285, A replaced by G.
Protein change: p.Glu95=; no amino-acid change (glutamic acid 95 retained).
Molecular consequence: synonymous variant.
Genome position (GRCh38, 1-based): chr19:45,494,800, T>C on the plus strand (A>G on the coding strand, the complement: RTN2 is on the minus strand). VCF-style: chr19-45494800-T-C. GRCh37 (hg19) VCF-style: chr19-45998058-T-C.
Other names: c.285A>G, p.Glu95= (NM_206900.3).
Identifiers: ClinVar variation 448175 (VCV000448175.17), dbSNP rs146004780, ClinGen allele CA9516295.

ClinVar aggregate classification (germline): Benign. Review status: criteria provided, multiple submitters, no conflicts (2 of 4 stars). 5 submissions from 5 submitters: Benign (4). 1 of the submissions does not count toward it. Last evaluated 2025-12-25.

Conditions:
Spastic paraplegia. Identifiers: MedGen C0037772, HP:0001258.
RTN2-related disorder. Also called: RTN2-related condition.

Allele frequency attached by ClinVar (database versions not stated): gnomAD exomes 0.00034 and 0.00079; ExAC 0.00102; 1000 Genomes Project 0.00260; ESP Exome Variant Server 0.00316; gnomAD 0.00352 and 0.00381; 1000 Genomes Project 30x 0.00375; TOPMed 0.00390.
gnomAD v4.1: 1,062 of 1,604,526 alleles (0.066%); highest among the groups gnomAD compares: African/African-American, 1.3%; 10 homozygotes.

Submissions (5):

Labcorp Genetics (formerly Invitae), Labcorp
Classification: Benign for Spastic paraplegia. Last evaluated: 2025-12-25. Review status: criteria provided, single submitter. Criteria: Invitae Variant Classification Sherloc (09022015). Collection method: clinical testing. Allele origin: germline.

Athena Diagnostics
Classification: Benign. Last evaluated: 2021-01-21. Review status: criteria provided, single submitter. Criteria: Athena Diagnostics criteria. Collection method: clinical testing. Allele origin: unknown.

GeneDx
Classification: Benign. Last evaluated: 2018-03-20. Review status: criteria provided, single submitter. Criteria: GeneDx Variant Classification (06012015). Collection method: clinical testing. Allele origin: germline. Affected: yes.
Comment: This variant is considered likely benign or benign based on one or more of the following criteria: it is a conservative change, it occurs at a poorly conserved position in the protein, it is predicted to be benign by multiple in silico algorithms, and/or has population frequency not consistent with disease.

Breakthrough Genomics
Classification: Benign. Review status: criteria provided, single submitter. Criteria: ACMG Guidelines, 2015. Collection method: not provided. Allele origin: germline. Inheritance: Autosomal dominant inheritance. Affected: yes.

PreventionGenetics, part of Exact Sciences
Classification: Benign for RTN2-related condition. Last evaluated: 2019-08-27. Review status: no assertion criteria provided. Collection method: clinical testing. Allele origin: germline. Not counted in ClinVar's aggregate classification.
Comment: This variant is classified as benign based on ACMG/AMP sequence variant interpretation guidelines (Richards et al. 2015 PMID: 25741868, with internal and published modifications).